The following is an entry in ClinVar:

ClinVar aggregate classification (germline): Uncertain significance (1 of 4 stars; one submission).

Allele frequency attached by ClinVar (database versions not stated): gnomAD exomes below 0.00001.
gnomAD v4.1: 1 of 1,469,706 alleles (0.000068%); highest among the groups gnomAD compares: Non-Finnish European, 0.00009%; no homozygotes.

Submission:

Labcorp Genetics (formerly Invitae), Labcorp
Classification: Uncertain significance. Last evaluated: 2024-01-11. Review status: criteria provided, single submitter. Criteria: Invitae Variant Classification Sherloc (09022015). Collection method: clinical testing. Allele origin: germline.
Comment: This sequence change replaces glycine, which is neutral and non-polar, with arginine, which is basic and polar, at codon 3 of the CLCN6 protein (p.Gly3Arg). This variant is not present in population databases (gnomAD no frequency). This variant has not been reported in the literature in individuals affected with CLCN6-related conditions. Experimental studies and prediction algorithms are not available or were not evaluated, and the functional significance of this variant is currently unknown. In summary, the available evidence is currently insufficient to determine the role of this variant in disease. Therefore, it has been classified as a Variant of Uncertain Significance.

NM_001286.5(CLCN6):c.7G>A (p.Gly3Arg)

Gene: CLCN6 (chloride voltage-gated channel 6; plus strand). Cytogenetic location: 1p36.22.
Variant type: single nucleotide variant.
Coding change: c.7G>A on transcript NM_001286.5 (MANE Select); coding-DNA position 7, G replaced by A.
Protein change: p.Gly3Arg; replaces glycine 3 with arginine.
Molecular consequence: missense variant. On other transcripts: non-coding transcript variant (1).
Genome position (GRCh38, 1-based): chr1:11,806,269, G>A. VCF-style: chr1-11806269-G-A. GRCh37 (hg19) VCF-style: chr1-11866326-G-A.
Other names: c.7G>A, p.Gly3Arg (NM_001256959.2); short protein forms G3R.
Identifiers: ClinVar variation 2912508 (VCV002912508.3), dbSNP rs1319057021, ClinGen allele CA338423877.
Genomic context (GRCh38, chr1:11,806,269, plus strand): 5'-TCCTGGCTGGGAGGGGGTTGGTAGAGGGGTCCAGAGTGGCAGTAAAGGAGGAAGATGGCG[G>A]GGTGCAGGGGGTCTCTGTGCTGCTGCTGCAGGTGGTGCTGCTGCTGCGGTGAGCGTGAGA-3'
Protein context (NP_001277.2, residues 1-13): MA[Gly3Arg]CRGSLCCCCR